The following is an entry in ClinVar:

NM_001005373.4(LRSAM1):c.944G>T (p.Arg315Leu)

Gene: LRSAM1 (leucine rich repeat and sterile alpha motif containing 1; plus strand). Cytogenetic location: 9q33.3.
Variant type: single nucleotide variant.
Coding change: c.944G>T on transcript NM_001005373.4 (MANE Select); coding-DNA position 944, G replaced by T.
Protein change: p.Arg315Leu; replaces arginine 315 with leucine.
Molecular consequence: missense variant. On other transcripts: non-coding transcript variant (2).
Genome position (GRCh38, 1-based): chr9:127,479,879, G>T. VCF-style: chr9-127479879-G-T. GRCh37 (hg19) VCF-style: chr9-130242158-G-T.
Other names: chr9-130242158-G-T; p.Arg315Leu; c.944G>T (NM_138361.4); c.944G>T, p.Arg315Leu (NM_001005374.4, NM_001190723.3, NM_001384142.1 and 2 more transcripts); c.155G>T, p.Arg52Leu (NM_001384144.1); short protein forms R315L, R52L.
Identifiers: ClinVar variation 1299686 (VCV001299686.2), dbSNP rs764321843, ClinGen allele CA374931448.

ClinVar aggregate classification (germline): Uncertain significance. Review status: criteria provided, multiple submitters, no conflicts (2 of 4 stars). 2 submissions from 2 submitters: Uncertain significance (2). Last evaluated 2026-04-28.

Conditions:
Charcot-Marie-Tooth disease axonal type 2P. Also called: CHARCOT-MARIE-TOOTH NEUROPATHY, TYPE 2P; Charcot-Marie-Tooth Neuropathy Type 2G; CHARCOT-MARIE-TOOTH DISEASE, AXONAL, TYPE 2G; CMT 2G. Identifiers: Orphanet 300319, Orphanet 99941, MedGen C3280797, MONDO:0013753, OMIM 614436.
Inborn genetic diseases. Identifiers: MedGen C0950123, MeSH D030342.

Submissions (2):

Ambry Genetics
Classification: Uncertain significance for Inborn genetic diseases. Last evaluated: 2026-04-28. Review status: criteria provided, single submitter. Criteria: Ambry Variant Classification Scheme 2023. Collection method: clinical testing. Allele origin: germline.

Laboratório de Neurologia Aplicada e Experimental, Faculdade de Medicina de Ribeirao Preto – Universidade de Sao Paulo
Classification: Uncertain significance for Charcot-Marie-Tooth disease axonal type 2P. Last evaluated: 2021-07-20. Review status: criteria provided, single submitter. Criteria: ACMG Guidelines, 2015. Collection method: research. Allele origin: germline. Inheritance: Autosomal dominant inheritance. Affected: yes. Observed: 1 variant allele, 1 heterozygote.
Comment: The c.944G>T (p.Arg315Leu) variant in the LRSAM1 gene has not been described in the literature to our knowledge. This variant was observed in cis with a likely pathogenic variant in the same gene (SCV001976642; p.Glu312Alafs*48). This variant replaces Arginine with Leucine at codon 315 of the LRSAM1 protein that is highly conserved across different species. This variant is not present in population databases (GnomAD and ABraOM), suggesting it is not a common benign variant in these populations. However, we do not know its real effect on our patient's phenotype. Therefore, it has been classified as a variant of uncertain significance (VUS).